The following is an entry in ClinVar:

NM_173689.7(CRB2):c.3146C>T (p.Ala1049Val)

Gene: CRB2 (crumbs cell polarity complex component 2; plus strand). Cytogenetic location: 9q33.3.
Variant type: single nucleotide variant.
Coding change: c.3146C>T on transcript NM_173689.7 (MANE Select); coding-DNA position 3146, C replaced by T.
Protein change: p.Ala1049Val; replaces alanine 1049 with valine.
Molecular consequence: missense variant. On other transcripts: non-coding transcript variant (1).
Genome position (GRCh38, 1-based): chr9:123,373,677, C>T. VCF-style: chr9-123373677-C-T. GRCh37 (hg19) VCF-style: chr9-126135956-C-T.
Other names: short protein forms A1049V.
Identifiers: ClinVar variation 3573689 (VCV003573689.1).
Genomic context (GRCh38, chr9:123,373,677, plus strand): 5'-CCCGGCCCGGCGCGGCCCCTGGCGCCCGAGAGCACTTCGCGTCTTGGCCTGGGACGCCGG[C>T]CCCGATCCTCGGCTGCCGCGGCGCGCCCGTGTGTGCGCCCTCGCCCTGTCTGCACGACGG-3'
Protein context (NP_775960.4, residues 1039-1059): EHFASWPGTP[Ala1049Val]PILGCRGAPV

ClinVar aggregate classification (germline): Uncertain significance (1 of 4 stars; one submission).

Submission:

GeneDx
Classification: Uncertain significance. Last evaluated: 2024-07-16. Review status: criteria provided, single submitter. Criteria: GeneDx Variant Classification Process June 2021. Collection method: clinical testing. Allele origin: germline. Affected: yes.
Comment: Not observed at significant frequency in large population cohorts (gnomAD); In silico analysis indicates that this missense variant does not alter protein structure/function; Has not been previously published as pathogenic or benign to our knowledge